The following is an entry in ClinVar:

ClinVar aggregate classification (germline): Uncertain significance. Review status: criteria provided, multiple submitters, no conflicts (2 of 4 stars). 6 submissions from 4 submitters: Uncertain significance (5). 1 of the submissions does not count toward it. Last evaluated 2025-09-26.

Conditions:
Inborn genetic diseases. Identifiers: MedGen C0950123, MeSH D030342.
Leber congenital amaurosis 8 (LCA8). Identifiers: Orphanet 65, MedGen C3151202, MONDO:0013453, OMIM 613835.
Pigmented paravenous retinochoroidal atrophy. Identifiers: Orphanet 251295, MedGen C1868310, MONDO:0008246, OMIM 172870.
Retinitis pigmentosa 12 (RP12). Also called: RP WITH OR WITHOUT PPRPE; RP WITH OR WITHOUT PRESERVED PARAARTERIOLE RETINAL PIGMENT EPITHELIUM; RETINITIS PIGMENTOSA WITH OR WITHOUT PARAARTERIOLAR PRESERVATION OF RETINAL PIGMENT EPITHELIUM. Identifiers: Orphanet 791, MedGen C1838647, MONDO:0010818, OMIM 600105.
Leber congenital amaurosis (LCA). Also called: Leber's amaurosis. Identifiers: Orphanet 65, MedGen C0339527, MeSH D057130, MONDO:0018998.

Allele frequency attached by ClinVar (database versions not stated): gnomAD exomes 0.00001; TOPMed 0.00001; ExAC 0.00002; gnomAD 0.00003.
gnomAD v4.1: 93 of 1,614,096 alleles (0.0058%); highest among the groups gnomAD compares: Non-Finnish European, 0.007%; no homozygotes.

Submissions (6):

Ambry Genetics
Classification: Uncertain significance for Inborn genetic diseases. Last evaluated: 2025-09-26. Review status: criteria provided, single submitter. Criteria: Ambry Variant Classification Scheme 2023. Collection method: clinical testing. Allele origin: germline.

Genome-Nilou Lab
Classification: Uncertain significance for Leber congenital amaurosis 8. Last evaluated: 2023-04-11. Review status: criteria provided, single submitter. Criteria: ACMG Guidelines, 2015. Collection method: clinical testing. Allele origin: germline. Affected: no.

Genome-Nilou Lab
Classification: Uncertain significance for Pigmented paravenous retinochoroidal atrophy. Last evaluated: 2023-04-11. Review status: criteria provided, single submitter. Criteria: ACMG Guidelines, 2015. Collection method: clinical testing. Allele origin: germline. Affected: no.

Genome-Nilou Lab
Classification: Uncertain significance for Retinitis pigmentosa 12. Last evaluated: 2023-04-11. Review status: criteria provided, single submitter. Criteria: ACMG Guidelines, 2015. Collection method: clinical testing. Allele origin: germline. Affected: no.

Labcorp Genetics (formerly Invitae), Labcorp
Classification: Uncertain significance for Leber congenital amaurosis 8; Retinitis pigmentosa 12. Last evaluated: 2022-05-09. Review status: criteria provided, single submitter. Criteria: Invitae Variant Classification Sherloc (09022015). Collection method: clinical testing. Allele origin: germline.
Comment: This sequence change replaces threonine, which is neutral and polar, with isoleucine, which is neutral and non-polar, at codon 88 of the CRB1 protein (p.Thr88Ile). The frequency data for this variant in the population databases is considered unreliable, as metrics indicate poor data quality at this position in the gnomAD database. This variant has not been reported in the literature in individuals affected with CRB1-related conditions. ClinVar contains an entry for this variant (Variation ID: 970366). Advanced modeling of protein sequence and biophysical properties (such as structural, functional, and spatial information, amino acid conservation, physicochemical variation, residue mobility, and thermodynamic stability) performed at Invitae indicates that this missense variant is not expected to disrupt CRB1 protein function. In summary, the available evidence is currently insufficient to determine the role of this variant in disease. Therefore, it has been classified as a Variant of Uncertain Significance.

Natera, Inc.
Classification: Uncertain significance for Leber congenital amaurosis. Last evaluated: 2020-05-20. Review status: no assertion criteria provided. Collection method: clinical testing. Allele origin: germline. Not counted in ClinVar's aggregate classification.

NM_201253.3(CRB1):c.263C>T (p.Thr88Ile)

Gene: CRB1 (crumbs cell polarity complex component 1; plus strand). Cytogenetic location: 1q31.3.
Variant type: single nucleotide variant.
Coding change: c.263C>T on transcript NM_201253.3 (MANE Select); coding-DNA position 263, C replaced by T.
Protein change: p.Thr88Ile; replaces threonine 88 with isoleucine.
Molecular consequence: missense variant. On other transcripts: non-coding transcript variant (2).
Genome position (GRCh38, 1-based): chr1:197,328,614, C>T. VCF-style: chr1-197328614-C-T. GRCh37 (hg19) VCF-style: chr1-197297744-C-T.
Other names: c.263C>T, p.Thr88Ile (NM_001193640.2, NM_001257966.2); c.56C>T, p.Thr19Ile (NM_001257965.2); short protein forms T88I, T19I.
Identifiers: ClinVar variation 970366 (VCV000970366.10), dbSNP rs201893755, ClinGen allele CA1311601.